The following is an entry in ClinVar:

NM_022336.4(EDAR):c.529+1G>A

Genes: EDAR (ectodysplasin A receptor; minus strand), RANBP2 (RAN binding protein 2; plus strand). Cytogenetic location: 2q13.
Variant type: single nucleotide variant.
Coding change: c.529+1G>A on transcript NM_022336.4 (MANE Select); the canonical splice donor site of the intron after coding-DNA position 529, G replaced by A.
Molecular consequence: splice donor variant.
Genome position (GRCh38, 1-based): chr2:108,912,677, C>T on the plus strand (G>A on the coding strand, the complement: EDAR is on the minus strand). VCF-style: chr2-108912677-C-T. GRCh37 (hg19) VCF-style: chr2-109529133-C-T.
Identifiers: ClinVar variation 504887 (VCV000504887.4), dbSNP rs1553445945, ClinGen allele CA348054462.

ClinVar aggregate classification (germline): Pathogenic (1 of 4 stars; one submission).

Conditions:
Ectodermal dysplasia. Also called: Ectodermal dysplasia syndrome. Identifiers: Orphanet 79373, MedGen C0013575, MONDO:0019287, HP:0000968.

Allele frequency attached by ClinVar (database versions not stated): gnomAD 0.00001.
gnomAD v4.1: 3 of 1,587,944 alleles (0.00019%); highest among the groups gnomAD compares: African/African-American, 0.0013%; no homozygotes.

Submission:

Laboratory for Molecular Medicine, Mass General Brigham Personalized Medicine
Classification: Pathogenic for Ectodermal dysplasia. Last evaluated: 2016-02-19. Review status: criteria provided, single submitter. Criteria: LMM Criteria. Collection method: clinical testing. Allele origin: germline. Inheritance: Autosomal recessive inheritance. Observed: 1 variant allele.
Comment: The c.529+1G>A variant in EDAR has been reported in 2 individuals with hypohydro tic ectodermal dysplasia (Chassaing 2006) and was absent from large population studies. Both individuals were compound heterozygous with a second variant in ED AR. In addition, this variant occurs in the invariant region (+/- 1/2) of the sp lice consensus sequence and is predicted to cause altered splicing leading to an abnormal or absent protein. In summary, this variant meets our criteria to be c lassified as pathogenic for hypohydrotic ectodermal dysplasia in an autosomal re cessive manner.

Literature cited by the submitters: PubMed 16435307.